The following is an entry in ClinVar:

NM_145038.5(DRC1):c.992C>T (p.Thr331Ile)

Gene: DRC1 (dynein regulatory complex subunit 1; plus strand). Cytogenetic location: 2p23.3.
Variant type: single nucleotide variant.
Coding change: c.992C>T on transcript NM_145038.5 (MANE Select); coding-DNA position 992, C replaced by T.
Protein change: p.Thr331Ile; replaces threonine 331 with isoleucine.
Molecular consequence: missense variant.
Genome position (GRCh38, 1-based): chr2:26,440,481, C>T. VCF-style: chr2-26440481-C-T. GRCh37 (hg19) VCF-style: chr2-26663349-C-T.
Other names: short protein forms T331I.
Identifiers: ClinVar variation 414289 (VCV000414289.16), dbSNP rs143181834, ClinGen allele CA1562102.

ClinVar aggregate classification (germline): Benign/Likely benign. Review status: criteria provided, multiple submitters, no conflicts (2 of 4 stars). 5 submissions from 5 submitters: Benign (1); Likely benign (4). Last evaluated 2026-02-02.

Conditions:
Primary ciliary dyskinesia 21. Also called: CILIARY DYSKINESIA, PRIMARY, 21, WITHOUT SITUS INVERSUS. Identifiers: Orphanet 244, MedGen C3809087, MONDO:0014123, OMIM 615294.
Primary ciliary dyskinesia. Also called: Ciliary dyskinesia. Identifiers: Orphanet 244, MedGen C0008780, MONDO:0016575, HP:0012265.

Allele frequency attached by ClinVar (database versions not stated): gnomAD exomes 0.00381 and 0.00502; ExAC 0.00556; 1000 Genomes Project 30x 0.00718; 1000 Genomes Project 0.00719; gnomAD 0.00745 and 0.00771; TOPMed 0.00836; ESP Exome Variant Server 0.00877.
gnomAD v4.1: 6,747 of 1,612,912 alleles (0.42%); highest among the groups gnomAD compares: African/African-American, 1.9%; 36 homozygotes.

Submissions (5):

Labcorp Genetics (formerly Invitae), Labcorp
Classification: Benign for Primary ciliary dyskinesia. Last evaluated: 2026-02-02. Review status: criteria provided, single submitter. Criteria: Invitae Variant Classification Sherloc (09022015). Collection method: clinical testing. Allele origin: germline.

Genomic Medicine Center of Excellence, King Faisal Specialist Hospital and Research Centre
Classification: Likely benign. Last evaluated: 2025-08-18. Review status: criteria provided, single submitter. Criteria: ACMG Guidelines, 2015. Collection method: clinical testing. Allele origin: germline.

GeneDx
Classification: Likely benign. Last evaluated: 2024-11-19. Review status: criteria provided, single submitter. Criteria: GeneDx Variant Classification Process June 2021. Collection method: clinical testing. Allele origin: germline. Affected: yes.
Comment: See Variant Classification Assertion Criteria.

Fulgent Genetics
Classification: Likely benign for Primary ciliary dyskinesia 21. Last evaluated: 2022-05-12. Review status: criteria provided, single submitter. Criteria: ACMG Guidelines, 2015. Collection method: clinical testing. Allele origin: unknown.

Breakthrough Genomics
Classification: Likely benign. Review status: criteria provided, single submitter. Criteria: ACMG Guidelines, 2015. Collection method: not provided. Allele origin: germline. Inheritance: Autosomal recessive inheritance. Affected: yes.